The following is an entry in ClinVar:

ClinVar aggregate classification (germline): Uncertain significance (1 of 4 stars; one submission).

Submission:

Ambry Genetics
Classification: Uncertain significance. Last evaluated: 2022-05-17. Review status: criteria provided, single submitter. Criteria: Ambry Variant Classification Scheme 2023. Collection method: clinical testing. Allele origin: germline.
Comment: The p.K71E variant (also known as c.211A>G), located in coding exon 2 of the PRKDC gene, results from an A to G substitution at nucleotide position 211. The lysine at codon 71 is replaced by glutamic acid, an amino acid with similar properties. This amino acid position is conserved. In addition, this alteration is predicted to be tolerated by in silico analysis. Since supporting evidence is limited at this time, the clinical significance of this alteration remains unclear.

NM_006904.7(PRKDC):c.211A>G (p.Lys71Glu)

Gene: PRKDC (protein kinase, DNA-activated, catalytic subunit; minus strand). Cytogenetic location: 8q11.21.
Variant type: single nucleotide variant.
Coding change: c.211A>G on transcript NM_006904.7 (MANE Select); coding-DNA position 211, A replaced by G.
Protein change: p.Lys71Glu; replaces lysine 71 with glutamic acid.
Molecular consequence: missense variant.
Genome position (GRCh38, 1-based): chr8:47,957,375, T>C on the plus strand (A>G on the coding strand, the complement: PRKDC is on the minus strand). VCF-style: chr8-47957375-T-C. GRCh37 (hg19) VCF-style: chr8-48869935-T-C.
Other names: c.211A>G, p.Lys71Glu (NM_001081640.2); short protein forms K71E.
Identifiers: ClinVar variation 1786212 (VCV001786212.2), dbSNP rs2551882378, ClinGen allele CA371141494.